The following is an entry in ClinVar:

NM_017654.4(SAMD9):c.1708A>T (p.Met570Leu)

Gene: SAMD9 (sterile alpha motif domain containing 9; minus strand). Cytogenetic location: 7q21.2.
Variant type: single nucleotide variant.
Coding change: c.1708A>T on transcript NM_017654.4 (MANE Select); coding-DNA position 1708, A replaced by T.
Protein change: p.Met570Leu; replaces methionine 570 with leucine.
Molecular consequence: missense variant.
Genome position (GRCh38, 1-based): chr7:93,104,390, T>A on the plus strand (A>T on the coding strand, the complement: SAMD9 is on the minus strand). VCF-style: chr7-93104390-T-A. GRCh37 (hg19) VCF-style: chr7-92733703-T-A.
Other names: c.1708A>T, p.Met570Leu (NM_001193307.2); short protein forms M570L.
Identifiers: ClinVar variation 4629824 (VCV004629824.1).

ClinVar aggregate classification (germline): Uncertain significance (1 of 4 stars; one submission).

Conditions:
Inborn genetic diseases. Identifiers: MedGen C0950123, MeSH D030342.

Submission:

Ambry Genetics
Classification: Uncertain significance for Inborn genetic diseases. Last evaluated: 2025-09-26. Review status: criteria provided, single submitter. Criteria: Ambry Variant Classification Scheme 2023. Collection method: clinical testing. Allele origin: germline.
Comment: The p.M570L variant (also known as c.1708A>T), located in coding exon 1 of the SAMD9 gene, results from an A to T substitution at nucleotide position 1708. The methionine at codon 570 is replaced by leucine, an amino acid with highly similar properties. This amino acid position is conserved. In addition, this alteration is predicted to be tolerated by in silico analysis. Based on the available evidence, the clinical significance of this variant remains unclear.